The following is an entry in ClinVar:

ClinVar aggregate classification (germline): Uncertain significance. Review status: criteria provided, multiple submitters, no conflicts (2 of 4 stars). 3 submissions from 3 submitters: Uncertain significance (2). 1 of the submissions does not count toward it. Last evaluated 2025-11-25.

Conditions:
LAMB2-related disorder. Also called: LAMB2-related condition.
Pierson syndrome. Also called: MICROCORIA-CONGENITAL NEPHROTIC SYNDROME. Identifiers: Orphanet 2670, MedGen C1836876, MONDO:0012184, OMIM 609049.
LAMB2-related infantile-onset nephrotic syndrome. Also called: Nephrotic Syndrome, type 5; NEPHROTIC SYNDROME, TYPE 5, WITHOUT OCULAR ABNORMALITIES; NEPHROTIC SYNDROME, TYPE 5, WITH OCULAR ABNORMALITIES. Identifiers: Orphanet 306507, MedGen C3280113, MONDO:0013621, OMIM 614199.

Allele frequency attached by ClinVar (database versions not stated): TOPMed 0.00006; ESP Exome Variant Server 0.00008; gnomAD 0.00012.
gnomAD v4.1: 116 of 1,613,536 alleles (0.0072%); highest among the groups gnomAD compares: Non-Finnish European, 0.0089%; no homozygotes.

Submissions (3):

Labcorp Genetics (formerly Invitae), Labcorp
Classification: Uncertain significance for LAMB2-related infantile-onset nephrotic syndrome; Pierson syndrome. Last evaluated: 2025-11-25. Review status: criteria provided, single submitter. Criteria: Invitae Variant Classification Sherloc (09022015). Collection method: clinical testing. Allele origin: germline.
Comment: This sequence change falls in intron 18 of the LAMB2 gene. It does not directly change the encoded amino acid sequence of the LAMB2 protein. It affects a nucleotide within the consensus splice site. This variant is present in population databases (rs371384656, gnomAD 0.03%). This variant has not been reported in the literature in individuals affected with LAMB2-related conditions. ClinVar contains an entry for this variant (Variation ID: 933413). Variants that disrupt the consensus splice site are a relatively common cause of aberrant splicing (PMID: 17576681, 9536098). Algorithms developed to predict the effect of sequence changes on RNA splicing suggest that this variant is not likely to affect RNA splicing. In summary, the available evidence is currently insufficient to determine the role of this variant in disease. Therefore, it has been classified as a Variant of Uncertain Significance.

Fulgent Genetics
Classification: Uncertain significance for Pierson syndrome; LAMB2-related infantile-onset nephrotic syndrome. Last evaluated: 2024-04-12. Review status: criteria provided, single submitter. Criteria: ACMG Guidelines, 2015. Collection method: clinical testing. Allele origin: germline.

PreventionGenetics, part of Exact Sciences
Classification: Likely benign for LAMB2-related condition. Last evaluated: 2020-11-23. Review status: no assertion criteria provided. Collection method: clinical testing. Allele origin: germline. Not counted in ClinVar's aggregate classification.
Comment: This variant is classified as likely benign based on ACMG/AMP sequence variant interpretation guidelines (Richards et al. 2015 PMID: 25741868, with internal and published modifications).

Literature cited by the submitters: PubMed 17576681 (cited by Labcorp Genetics (formerly Invitae), Labcorp); PubMed 9536098 (cited by Labcorp Genetics (formerly Invitae), Labcorp).

NM_002292.4(LAMB2):c.2488+6C>G

Gene: LAMB2 (laminin subunit beta 2; minus strand). Cytogenetic location: 3p21.31.
Variant type: single nucleotide variant.
Coding change: c.2488+6C>G on transcript NM_002292.4 (MANE Select); 6 bases into the intron after coding-DNA position 2488, C replaced by G.
Molecular consequence: intron variant.
Genome position (GRCh38, 1-based): chr3:49,125,741, G>C on the plus strand (C>G on the coding strand, the complement: LAMB2 is on the minus strand). VCF-style: chr3-49125741-G-C. GRCh37 (hg19) VCF-style: chr3-49163174-G-C.
Identifiers: ClinVar variation 933413 (VCV000933413.12), dbSNP rs371384656, ClinGen allele CA2394291.